The following is an entry in ClinVar:

NM_004260.4(RECQL4):c.199G>T (p.Ala67Ser)

Gene: RECQL4 (RecQ like helicase 4; minus strand). Cytogenetic location: 8q24.3.
Variant type: single nucleotide variant.
Coding change: c.199G>T on transcript NM_004260.4 (MANE Select); coding-DNA position 199, G replaced by T.
Protein change: p.Ala67Ser; replaces alanine 67 with serine.
Molecular consequence: missense variant.
Genome position (GRCh38, 1-based): chr8:144,517,428, C>A on the plus strand (G>T on the coding strand, the complement: RECQL4 is on the minus strand). VCF-style: chr8-144517428-C-A. GRCh37 (hg19) VCF-style: chr8-145742812-C-A.
Other names: short protein forms A67S.
Identifiers: ClinVar variation 1046745 (VCV001046745.3), dbSNP rs1815343882, ClinGen allele CA372692517.

ClinVar aggregate classification (germline): Uncertain significance (1 of 4 stars; one submission).

Conditions:
Baller-Gerold syndrome (BGS). Also called: CRANIOSYNOSTOSIS WITH RADIAL DEFECTS. Identifiers: Orphanet 1225, MedGen C0265308, MONDO:0009039, OMIM 218600.

gnomAD v4.1: 2 of 1,580,304 alleles (0.00013%); highest among the groups gnomAD compares: Non-Finnish European, 0.00017%; no homozygotes.

Submission:

Labcorp Genetics (formerly Invitae), Labcorp
Classification: Uncertain significance for Baller-Gerold syndrome. Last evaluated: 2018-06-20. Review status: criteria provided, single submitter. Criteria: Invitae Variant Classification Sherloc (09022015). Collection method: clinical testing. Allele origin: germline.
Comment: In summary, the available evidence is currently insufficient to determine the role of this variant in disease. Therefore, it has been classified as a Variant of Uncertain Significance. Algorithms developed to predict the effect of missense changes on protein structure and function are either unavailable or do not agree on the potential impact of this missense change (SIFT: "Tolerated"; PolyPhen-2: "Possibly Damaging"; Align-GVGD: "Class C0"). This variant has not been reported in the literature in individuals with RECQL4-related disease. This variant is not present in population databases (ExAC no frequency). This sequence change replaces alanine with serine at codon 67 of the RECQL4 protein (p.Ala67Ser). The alanine residue is weakly conserved and there is a moderate physicochemical difference between arginine and serine.